The following is an entry in ClinVar:

ClinVar aggregate classification (germline): Likely benign. Review status: criteria provided, multiple submitters, no conflicts (2 of 4 stars). 2 submissions from 2 submitters: Likely benign (2). Last evaluated 2026-06-01.

Allele frequency attached by ClinVar (database versions not stated): gnomAD exomes 0.00006 and 0.00019; ExAC 0.00017; gnomAD 0.00019 and 0.00020; 1000 Genomes Project 30x 0.00031; TOPMed 0.00037; 1000 Genomes Project 0.00040.
gnomAD v4.1: 396 of 1,613,802 alleles (0.025%); highest among the groups gnomAD compares: East Asian, 0.17%; 25 homozygotes.

Submissions (6):

CeGaT Center for Human Genetics Tuebingen
Classification: Likely benign. Last evaluated: 2026-06-01. Review status: criteria provided, single submitter. Criteria: CeGaT Center For Human Genetics Tuebingen Variant Classification Criteria Version 2. Collection method: clinical testing. Allele origin: germline. Affected: yes. Observed: 1 variant allele.
Comment: HLA-G: BP4, BP7, BS2

Labcorp Genetics (formerly Invitae), Labcorp
Classification: Likely benign. Last evaluated: 2018-08-21. Review status: criteria provided, single submitter. Criteria: Invitae Variant Classification Sherloc (09022015). Collection method: clinical testing. Allele origin: germline.

Dr. Peter K. Rogan Lab, Western University
No classification provided (evidence only). Condition: Acute myeloid leukemia. Review status: no classification provided. Collection method: in vitro. Allele origin: not applicable. Functional consequence: retained intron. Not counted in ClinVar's aggregate classification.

Dr. Peter K. Rogan Lab, Western University
No classification provided (evidence only). Condition: Cervical cancer. Review status: no classification provided. Collection method: in vitro. Allele origin: not applicable. Functional consequence: retained intron. Not counted in ClinVar's aggregate classification.

Dr. Peter K. Rogan Lab, Western University
No classification provided (evidence only). Condition: Malignant lymphoma, large B-cell, diffuse. Review status: no classification provided. Collection method: in vitro. Allele origin: not applicable. Functional consequence: retained intron. Not counted in ClinVar's aggregate classification.

Dr. Peter K. Rogan Lab, Western University
No classification provided (evidence only). Condition: Hepatocellular carcinoma. Review status: no classification provided. Collection method: in vitro. Allele origin: not applicable. Functional consequence: retained intron. Not counted in ClinVar's aggregate classification.

NM_001384290.1(HLA-G):c.705G>A (p.Ala235=)

Gene: HLA-G (major histocompatibility complex, class I, G; plus strand). Cytogenetic location: 6p22.1.
Variant type: single nucleotide variant.
Coding change: c.705G>A on transcript NM_001384290.1 (MANE Select); coding-DNA position 705, G replaced by A.
Protein change: p.Ala235=; no amino-acid change (alanine 235 retained).
Molecular consequence: synonymous variant.
Genome position (GRCh38, 1-based): chr6:29,829,503, G>A. VCF-style: chr6-29829503-G-A. GRCh37 (hg19) VCF-style: chr6-29797280-G-A.
Other names: NC_000006.11:g.29797280G>A; c.720G>A, p.Ala240= (NM_001363567.2, NM_001384280.1); c.705G>A, p.Ala235= (NM_002127.6).
Identifiers: ClinVar variation 728223 (VCV000728223.6), dbSNP rs78141541, ClinGen allele CA3691917.